The following is an entry in ClinVar:

ClinVar aggregate classification (germline): Uncertain significance (1 of 4 stars; one submission).

Conditions:
Glycogen storage disease due to phosphoglycerate kinase 1 deficiency. Also called: PHOSPHOGLYCERATE KINASE 1 DEFICIENCY WITH LEVO-DOPA-RESPONSIVE PARKINSONISM; PGK1 DEFICIENCY. Identifiers: Orphanet 713, MedGen C1970848, MONDO:0010392, OMIM 300653.

Submission:

Illumina Laboratory Services, Illumina
Classification: Uncertain significance for Glycogen storage disease due to phosphoglycerate kinase 1 deficiency. Last evaluated: 2023-09-06. Review status: criteria provided, single submitter. Criteria: ICSLVariantClassificationCriteria RUGD 01 April 2020. Collection method: clinical testing. Allele origin: unknown.
Comment: The PGK1 c.576G>C p.(Lys192Asn) missense variant has not, to our knowledge, been reported in the peer-reviewed literature. This variant is not observed in version 2.1.1 or version 3.1.2 of the Genome Aggregation Database. It affects one of two adjacent lysine residues within α-helix 7 that have been suggested to be important for enzyme function (PMID: 22348148). Two variants affecting these lysine residues, p.Lys192Met and p.Lys191del, have been reported in association with phosphoglycerate kinase 1 deficiency (PMID: 33177673; 19344873; 8673469). Multiple lines of computational evidence suggest the p.Lys192Asn variant may impact the gene or gene product. Based on the available evidence, the c.576G>C, p.(Lys192Asn) variant is classified as a variant of uncertain significance for phosphoglycerate kinase 1 deficiency.

NM_000291.4(PGK1):c.576G>C (p.Lys192Asn)

Gene: PGK1 (phosphoglycerate kinase 1; plus strand). Cytogenetic location: Xq21.1.
Variant type: single nucleotide variant.
Coding change: c.576G>C on transcript NM_000291.4 (MANE Select); coding-DNA position 576, G replaced by C.
Protein change: p.Lys192Asn; replaces lysine 192 with asparagine.
Molecular consequence: missense variant.
Genome position (GRCh38, 1-based): chrX:78,118,105, G>C. VCF-style: chrX-78118105-G-C. GRCh37 (hg19) VCF-style: chrX-77373602-G-C.
Other names: short protein forms K192N.
Identifiers: ClinVar variation 2637960 (VCV002637960.1), dbSNP rs2522494377, ClinGen allele CA413721469.